The following is an entry in ClinVar:

NM_005876.5(SPEG):c.392C>G (p.Ser131Ter)

Gene: SPEG (striated muscle enriched protein kinase; plus strand). Cytogenetic location: 2q35.
Variant type: single nucleotide variant.
Coding change: c.392C>G on transcript NM_005876.5 (MANE Select); coding-DNA position 392, C replaced by G.
Protein change: p.Ser131Ter; replaces serine 131 with a stop codon.
Molecular consequence: nonsense.
Genome position (GRCh38, 1-based): chr2:219,444,656, C>G. VCF-style: chr2-219444656-C-G. GRCh37 (hg19) VCF-style: chr2-220309378-C-G.
Other names: short protein forms S131*.
Identifiers: ClinVar variation 3365537 (VCV003365537.3).

ClinVar aggregate classification (germline): Pathogenic/Likely pathogenic. Review status: criteria provided, multiple submitters, no conflicts (2 of 4 stars). 2 submissions from 2 submitters: Pathogenic (1); Likely pathogenic (1). Last evaluated 2024-05-31.

Submissions (2):

Labcorp Genetics (formerly Invitae), Labcorp
Classification: Pathogenic. Last evaluated: 2024-05-31. Review status: criteria provided, single submitter. Criteria: Invitae Variant Classification Sherloc (09022015). Collection method: clinical testing. Allele origin: germline.
Comment: This sequence change creates a premature translational stop signal (p.Ser131*) in the SPEG gene. It is expected to result in an absent or disrupted protein product. Loss-of-function variants in SPEG are known to be pathogenic (PMID: 19118250, 25087613). This variant is not present in population databases (gnomAD no frequency). This variant has not been reported in the literature in individuals affected with SPEG-related conditions. For these reasons, this variant has been classified as Pathogenic.

GeneDx
Classification: Likely pathogenic. Last evaluated: 2024-04-16. Review status: criteria provided, single submitter. Criteria: GeneDx Variant Classification Process June 2021. Collection method: clinical testing. Allele origin: germline. Affected: yes.
Comment: Nonsense variant predicted to result in protein truncation or nonsense mediated decay in a gene for which loss of function is a known mechanism of disease; Not observed at significant frequency in large population cohorts (gnomAD); Has not been previously published as pathogenic or benign to our knowledge

Literature cited by the submitters: PubMed 19118250 (cited by Labcorp Genetics (formerly Invitae), Labcorp); PubMed 25087613 (cited by Labcorp Genetics (formerly Invitae), Labcorp).